The following is an entry in ClinVar:

ClinVar aggregate classification (germline): Uncertain significance (1 of 4 stars; one submission).

Conditions:
Congenital glucose-galactose malabsorption (GGM). Also called: DIARRHEA 16; MONOSACCHARIDE MALABSORPTION. Identifiers: Orphanet 35710, MedGen C0268186, MONDO:0011731, OMIM 606824.

Submission:

Labcorp Genetics (formerly Invitae), Labcorp
Classification: Uncertain significance for Congenital glucose-galactose malabsorption. Last evaluated: 2024-08-12. Review status: criteria provided, single submitter. Criteria: Invitae Variant Classification Sherloc (09022015). Collection method: clinical testing. Allele origin: germline.
Comment: This sequence change replaces alanine, which is neutral and non-polar, with glutamic acid, which is acidic and polar, at codon 61 of the SLC5A1 protein (p.Ala61Glu). This variant is not present in population databases (gnomAD no frequency). This variant has not been reported in the literature in individuals affected with SLC5A1-related conditions. ClinVar contains an entry for this variant (Variation ID: 1514798). An algorithm developed to predict the effect of missense changes on protein structure and function (PolyPhen-2) suggests that this variant is likely to be disruptive. In summary, the available evidence is currently insufficient to determine the role of this variant in disease. Therefore, it has been classified as a Variant of Uncertain Significance.

NM_000343.4(SLC5A1):c.182C>A (p.Ala61Glu)

Gene: SLC5A1 (solute carrier family 5 member 1; plus strand). Cytogenetic location: 22q12.3.
Variant type: single nucleotide variant.
Coding change: c.182C>A on transcript NM_000343.4 (MANE Select); coding-DNA position 182, C replaced by A.
Protein change: p.Ala61Glu; replaces alanine 61 with glutamic acid.
Molecular consequence: missense variant.
Genome position (GRCh38, 1-based): chr22:32,049,989, C>A. VCF-style: chr22-32049989-C-A. GRCh37 (hg19) VCF-style: chr22-32445976-C-A.
Other names: short protein forms A61E.
Identifiers: ClinVar variation 1514798 (VCV001514798.8), dbSNP rs1277952619, ClinGen allele CA411309271.